The following is an entry in ClinVar:

NM_001846.4(COL4A2):c.4295G>A (p.Gly1432Glu)

Genes: COL4A2 (collagen type IV alpha 2 chain; plus strand), COL4A2-AS1 (COL4A2 antisense RNA 1; minus strand). Cytogenetic location: 13q34.
Variant type: single nucleotide variant.
Coding change: c.4295G>A on transcript NM_001846.4 (MANE Select); coding-DNA position 4295, G replaced by A.
Protein change: p.Gly1432Glu; replaces glycine 1432 with glutamic acid.
Molecular consequence: missense variant.
Genome position (GRCh38, 1-based): chr13:110,504,157, G>A. VCF-style: chr13-110504157-G-A. GRCh37 (hg19) VCF-style: chr13-111156504-G-A.
Other names: short protein forms G1432E.
Identifiers: ClinVar variation 4746342 (VCV004746342.1).

ClinVar aggregate classification (germline): Uncertain significance (1 of 4 stars; one submission).

Submission:

Labcorp Genetics (formerly Invitae), Labcorp
Classification: Uncertain significance. Last evaluated: 2025-08-23. Review status: criteria provided, single submitter. Criteria: Invitae Variant Classification Sherloc (09022015). Collection method: clinical testing. Allele origin: germline.
Comment: This sequence change replaces glycine, which is neutral and non-polar, with glutamic acid, which is acidic and polar, at codon 1432 of the COL4A2 protein (p.Gly1432Glu). This variant is not present in population databases (gnomAD no frequency). This variant has not been reported in the literature in individuals affected with COL4A2-related conditions. Invitae Evidence Modeling of protein sequence and biophysical properties (such as structural, functional, and spatial information, amino acid conservation, physicochemical variation, residue mobility, and thermodynamic stability) has been performed for this missense variant. However, the output from this modeling did not meet the statistical confidence thresholds required to predict the impact of this variant on COL4A2 protein function. In summary, the available evidence is currently insufficient to determine the role of this variant in disease. Therefore, it has been classified as a Variant of Uncertain Significance.